The following is an entry in ClinVar:

ClinVar aggregate classification (germline): Conflicting classifications of pathogenicity. Review status: criteria provided, conflicting classifications (1 of 4 stars). 4 submissions from 4 submitters: Uncertain significance (2); Likely benign (1). 1 of the submissions does not count toward it. Last evaluated 2025-08-14.

Conditions:
Intellectual developmental disorder, autosomal recessive 5. Also called: Intellectual disability, autosomal recessive 5. Identifiers: Orphanet 88616, MedGen C1970199, MONDO:0012613, OMIM 611091.
NSUN2-related disorder. Also called: NSUN2-related condition.
Inborn genetic diseases. Identifiers: MedGen C0950123, MeSH D030342.

Allele frequency attached by ClinVar (database versions not stated): TOPMed 0.00019; gnomAD 0.00004 and 0.00005.
gnomAD v4.1: 76 of 1,614,078 alleles (0.0047%); highest among the groups gnomAD compares: Admixed American, 0.11%; 1 homozygote.

Submissions (4):

Labcorp Genetics (formerly Invitae), Labcorp
Classification: Likely benign. Last evaluated: 2025-08-14. Review status: criteria provided, single submitter. Criteria: Invitae Variant Classification Sherloc (09022015). Collection method: clinical testing. Allele origin: germline.

Ambry Genetics
Classification: Uncertain significance for Inborn genetic diseases. Last evaluated: 2018-06-22. Review status: criteria provided, single submitter. Criteria: Ambry Variant Classification Scheme 2023. Collection method: clinical testing. Allele origin: germline.
Comment: The p.R687Q variant (also known as c.2060G>A), located in coding exon 19 of the NSUN2 gene, results from a G to A substitution at nucleotide position 2060. The arginine at codon 687 is replaced by glutamine, an amino acid with highly similar properties. This amino acid position is highly conserved in available vertebrate species. In addition, this alteration is predicted to be deleterious by in silico analysis. Since supporting evidence is limited at this time, the clinical significance of this alteration remains unclear.

Illumina Laboratory Services, Illumina
Classification: Uncertain significance for Intellectual developmental disorder, autosomal recessive 5. Last evaluated: 2018-01-13. Review status: criteria provided, single submitter. Criteria: ICSL Variant Classification Criteria 13 December 2019. Collection method: clinical testing. Allele origin: germline.

PreventionGenetics, part of Exact Sciences
Classification: Likely benign for NSUN2-related condition. Last evaluated: 2022-03-28. Review status: no assertion criteria provided. Collection method: clinical testing. Allele origin: germline. Not counted in ClinVar's aggregate classification.
Comment: This variant is classified as likely benign based on ACMG/AMP sequence variant interpretation guidelines (Richards et al. 2015 PMID: 25741868, with internal and published modifications).

NM_017755.6(NSUN2):c.2060G>A (p.Arg687Gln)

Gene: NSUN2 (NOP2/Sun RNA methyltransferase 2; minus strand). Cytogenetic location: 5p15.31.
Variant type: single nucleotide variant.
Coding change: c.2060G>A on transcript NM_017755.6 (MANE Select); coding-DNA position 2060, G replaced by A.
Protein change: p.Arg687Gln; replaces arginine 687 with glutamine.
Molecular consequence: missense variant. On other transcripts: non-coding transcript variant (1).
Genome position (GRCh38, 1-based): chr5:6,600,170, C>T on the plus strand (G>A on the coding strand, the complement: NSUN2 is on the minus strand). VCF-style: chr5-6600170-C-T. GRCh37 (hg19) VCF-style: chr5-6600283-C-T.
Other names: c.1955G>A, p.Arg652Gln (NM_001193455.2); short protein forms R687Q, R652Q.
Identifiers: ClinVar variation 354049 (VCV000354049.19), dbSNP rs756450204, ClinGen allele CA3192192.